The following is an entry in ClinVar:

ClinVar aggregate classification (germline): Conflicting classifications of pathogenicity. Review status: criteria provided, conflicting classifications (1 of 4 stars). 10 submissions from 10 submitters: Pathogenic (3); Likely pathogenic (2); Uncertain significance (2). 3 of the submissions do not count toward it. Last evaluated 2025-10-22.

Conditions:
Hereditary nonpolyposis colon cancer (HNPCC). Also called: Hereditary nonpolyposis colorectal cancer; Familial nonpolyposis colon cancer; Hereditary Nonpolyposis Colorectal Cancer Syndrome. Identifiers: Orphanet 443909, MedGen C1333990, MONDO:0018630. Disease mechanism: loss of function.
Hereditary nonpolyposis colorectal neoplasms. Identifiers: MedGen C0009405, MeSH D003123.
Hereditary cancer-predisposing syndrome. Also called: Hereditary neoplastic syndrome; Neoplastic Syndromes, Hereditary; Tumor predisposition; Hereditary Cancer Syndrome. Identifiers: Orphanet 140162, MedGen C0027672, MeSH D009386, MONDO:0015356.
Lynch syndrome 5 (LYNCH5). Also called: Hereditary non-polyposis colorectal cancer, type 5; Colorectal cancer, hereditary nonpolyposis, type 5. Identifiers: Orphanet 144, MedGen C1833477, MONDO:0013710, OMIM 614350. Disease mechanism: loss of function.

Allele frequency attached by ClinVar (database versions not stated): TOPMed 0.00001.
gnomAD v4.1: 1 of 1,614,064 alleles (0.000062%); highest among the groups gnomAD compares: Non-Finnish European, 0.000085%; no homozygotes.

Submissions (10):

Labcorp Genetics (formerly Invitae), Labcorp
Classification: Pathogenic for Hereditary nonpolyposis colorectal neoplasms. Last evaluated: 2025-10-22. Review status: criteria provided, single submitter. Criteria: Invitae Variant Classification Sherloc (09022015). Collection method: clinical testing. Allele origin: germline.
Comment: This sequence change replaces valine, which is neutral and non-polar, with phenylalanine, which is neutral and non-polar, at codon 1160 of the MSH6 protein (p.Val1160Phe). This variant is not present in population databases (gnomAD no frequency). This missense change has been observed in individuals with Lynch syndrome (LS) or LS-related cancers (internal data). It has also been observed to segregate with disease in related individuals. Invitae Evidence Modeling of clinical and family history, age, sex, and reported ancestry of multiple individuals with this MSH6 variant has been performed. This variant is expected to be pathogenic with a positive predictive value of at least 99%. This is a validated machine learning model that incorporates the clinical features of 1,627,235 individuals referred to our laboratory for MSH6 testing. ClinVar contains an entry for this variant (Variation ID: 184794). Invitae Evidence Modeling incorporating data from in vitro experimental studies (internal data) indicates that this missense variant is expected to disrupt MSH6 function with a positive predictive value of 95%. For these reasons, this variant has been classified as Pathogenic.

University of Washington Department of Laboratory Medicine, University of Washington
Classification: Likely pathogenic for Lynch syndrome 5. Last evaluated: 2025-10-22. Review status: criteria provided, single submitter. Criteria: Shirts BH et al. (Am J Hum Genet 2018). Collection method: clinical testing. Allele origin: germline. Affected: yes.
Comment: We classify the MSH6 c.3478G>T (p.Val1160Phe) variant as likely pathogenic based on internal evidence. Tumor testing demonstrated loss of MSH6 protein expression by immunohistochemistry (IHC), consistent with abnormal mismatch repair (MMR) function. Somatic testing revealed a single somatic pathogenic MSH6 alteration, indicating biallelic inactivation of MSH6 and supporting PS3_supporting. The use of tumor molecular features and somatic evidence to inform germline variant classification has been described in the literature (Shirts et al., 2018. Genet Med. PMID: 29887214). The p.Val1160Phe substitution replaces valine with phenylalanine which are both neutral and nonpolar residues, yet representing a non-conservative change in side-chain size and structure. Multiple in silico prediction algorithms (SIFT, PolyPhen-2, Align-GVGD) predict a deleterious effect on protein function, supporting PP3. This variant is absent from large population databases, including gnomAD v4.0.0, meeting PM2_supporting. The tumor phenotype of uterine cancer with isolated MSH6 loss by IHC is consistent with the pattern observed in Lynch syndrome associated with pathogenic MSH6 variants, providing PP4. Furthermore, this variant has been reported in individuals with Lynch syndrome or Lynch-associated cancers and has been observed to segregate with disease in affected families (VCV000184794.27; internal data from other laboratories), supporting the clinical relevance of this alteration. In summary, the evidence of biallelic MSH6 inactivation in the tumor, absence from population databases, deleterious in silico predictions, and phenotypic concordance with MSH6-related Lynch syndrome supports a likely pathogenic classification for the MSH6 c.3478G>T (p.Val1160Phe) variant.

Women's Health and Genetics/Laboratory Corporation of America, LabCorp
Classification: Pathogenic for Hereditary nonpolyposis colon cancer. Last evaluated: 2025-02-20. Review status: criteria provided, single submitter. Criteria: LabCorp Variant Classification Summary - May 2015. Collection method: clinical testing. Allele origin: germline.
Comment: Variant summary: MSH6 c.3478G>T (p.Val1160Phe) results in a non-conservative amino acid change located in the ATPase domain of the encoded protein sequence. Five of five in-silico tools predict a damaging effect of the variant on protein function. The variant was absent in 251404 control chromosomes. The available data on variant occurrences in the general population are insufficient to allow any conclusion about variant significance. c.3478G>T has been reported in the literature in at-least one individual affected with Lynch Like Syndrome (LLS) whose tumor demonstrated absent MSH6 protein staining by IHC analysis (Carwana_2021). This variant has also been observed in families with a personal and/or a family history of Lynch-related cancers tested at our laboratory (internal data). At-least one co-occurrence with other pathogenic variant(s) have been observed at our laboratory (BRIP1 c.2400C>G, p.Tyr800*) however, this is not weighted in the context of this evaluation. To our knowledge, no experimental evidence demonstrating an impact on protein function has been reported. The following publications have been ascertained in the context of this evaluation (PMID: 33215268). ClinVar contains an entry for this variant (Variation ID: 184794). Based on the evidence outlined above, the variant was classified as pathogenic.

Ambry Genetics
Classification: Pathogenic for Hereditary cancer-predisposing syndrome. Last evaluated: 2024-04-12. Review status: criteria provided, single submitter. Criteria: Ambry Variant Classification Scheme 2023. Collection method: clinical testing. Allele origin: germline.
Comment: The p.V1160F variant (also known as c.3478G>T), located in coding exon 6 of the MSH6 gene, results from a G to T substitution at nucleotide position 3478. The valine at codon 1160 is replaced by phenylalanine, an amino acid with highly similar properties. This alteration has been identified in several individuals whose Lynch syndrome-associated tumors demonstrated high microsatellite instability (MSI-H) and/or isolated loss of MSH6 expression by immunohistochemistry (IHC) (Ambry internal data). Based on an internal structural analysis, this variant is anticipated to result in a significant decrease in structural stability (Warren JJ et al. Mol. Cell. 2007 May;26:579-92). This variant was not reported in population-based cohorts in the Genome Aggregation Database (gnomAD). This amino acid position is well conserved in available vertebrate species. In addition, this alteration is predicted to be deleterious by in silico analysis. Based on the supporting evidence, this alteration is interpreted as a disease-causing mutation.

Myriad Genetics, Inc.
Classification: Likely pathogenic for Lynch syndrome 5. Last evaluated: 2023-09-06. Review status: criteria provided, single submitter. Criteria: Myriad Autosomal Dominant, Autosomal Recessive and X-Linked Classification Criteria (2023). Collection method: clinical testing. Allele origin: unknown.
Comment: This variant is considered likely pathogenic. Functional studies indicate this variant impacts protein function [Myriad internal data]. This variant is expected to disrupt protein structure [Myriad internal data].

Quest Diagnostics Nichols Institute San Juan Capistrano
Classification: Uncertain significance. Last evaluated: 2019-10-23. Review status: criteria provided, single submitter. Criteria: Quest Diagnostics criteria. Collection method: clinical testing. Allele origin: unknown.

ARUP Laboratories, Molecular Genetics and Genomics, ARUP Laboratories
Classification: Uncertain significance. Last evaluated: 2017-01-06. Review status: criteria provided, single submitter. Criteria: ARUP Molecular Germline Variant Investigation Process. Collection method: clinical testing. Allele origin: germline.

Counsyl
Classification: Uncertain significance for Lynch syndrome 5. Last evaluated: 2018-05-18. Review status: no assertion criteria provided. Collection method: clinical testing. Allele origin: unknown. Not counted in ClinVar's aggregate classification.

Clinical Genetics Laboratory, Department of Pathology, Netherlands Cancer Institute
Classification: Uncertain significance. Review status: no assertion criteria provided. Collection method: clinical testing. Allele origin: germline. Affected: yes. Study: VKGL Data-share Consensus. Not counted in ClinVar's aggregate classification.

Joint Genome Diagnostic Labs from Nijmegen and Maastricht, Radboudumc and MUMC+
Classification: Uncertain significance. Review status: no assertion criteria provided. Collection method: clinical testing. Allele origin: germline. Affected: yes. Study: VKGL Data-share Consensus. Not counted in ClinVar's aggregate classification.

Literature cited by the submitters: PubMed 33215268 (cited by Women's Health and Genetics/Laboratory Corporation of America, LabCorp); PubMed 17531815 (cited by Ambry Genetics).

NM_000179.3(MSH6):c.3478G>T (p.Val1160Phe)

Gene: MSH6 (mutS homolog 6; plus strand). Cytogenetic location: 2p16.3.
Variant type: single nucleotide variant.
Coding change: c.3478G>T on transcript NM_000179.3 (MANE Select); coding-DNA position 3478, G replaced by T.
Protein change: p.Val1160Phe; replaces valine 1160 with phenylalanine.
Molecular consequence: missense variant.
Genome position (GRCh38, 1-based): chr2:47,804,949, G>T. VCF-style: chr2-47804949-G-T. GRCh37 (hg19) VCF-style: chr2-48032088-G-T.
Other names: c.3088G>T, p.Val1030Phe (NM_001281492.2); c.2572G>T, p.Val858Phe (NM_001281493.2, NM_001281494.2); short protein forms V1160F, V858F, V1030F.
Identifiers: ClinVar variation 184794 (VCV000184794.29), dbSNP rs376799914, ClinGen allele CA013053.
Genomic context (GRCh38, chr2:47,804,949, plus strand): 5'-CTTTTCCTCCCTCATTCACAGGCTGGCTTATTAGCTGTAATGGCCCAGATGGGTTGTTAC[G>T]TCCCTGCTGAAGTGTGCAGGCTCACACCAATTGATAGAGTGTTTACTAGACTTGGTGCCT-3'
Protein context (NP_000170.1, residues 1150-1170): LAVMAQMGCY[Val1160Phe]PAEVCRLTPI